The following is an entry in ClinVar:

ClinVar aggregate classification (germline): Likely pathogenic (1 of 4 stars; one submission).

Conditions:
Myelodysplastic syndrome (MDS). Also called: Myelodysplastic syndromes; MYELODYSPLASTIC SYNDROME, SUSCEPTIBILITY TO; Myelodysplastic syndrome, somatic. Identifiers: Orphanet 52688, MedGen C3463824, MeSH D009190, MONDO:0018881, OMIM 614286.

Submission:

Institute of Human Genetics, University of Leipzig Medical Center
Classification: Likely pathogenic for Myelodysplastic syndrome. Last evaluated: 2023-06-09. Review status: criteria provided, single submitter. Criteria: ACMG Guidelines, 2015. Collection method: clinical testing. Allele origin: unknown. Inheritance: Autosomal dominant inheritance. Affected: yes.
Comment: Criteria applied: PVS1,PM2_SUP

NM_032638.5(GATA2):c.1080G>A (p.Trp360Ter)

Gene: GATA2 (GATA binding protein 2; minus strand). Cytogenetic location: 3q21.3.
Variant type: single nucleotide variant.
Coding change: c.1080G>A on transcript NM_032638.5 (MANE Select); coding-DNA position 1080, G replaced by A.
Protein change: p.Trp360Ter; replaces tryptophan 360 with a stop codon.
Molecular consequence: nonsense.
Genome position (GRCh38, 1-based): chr3:128,481,882, C>T on the plus strand (G>A on the coding strand, the complement: GATA2 is on the minus strand). VCF-style: chr3-128481882-C-T. GRCh37 (hg19) VCF-style: chr3-128200725-C-T.
Other names: c.1080G>A, p.Trp360Ter (NM_001145661.2); c.1038G>A, p.Trp346Ter (NM_001145662.1); short protein forms W346*, W360*.
Identifiers: ClinVar variation 2500300 (VCV002500300.3), dbSNP rs2472920958, ClinGen allele CA354413582.
Genomic context (GRCh38, chr3:128,481,882, plus strand): 5'-GTGCAGCTTGTAGTAGAGGCCACAGGCGTTGCAGACAGGGTCCCCGTTGGCGTTTCGGCG[C>T]CATAAGGTGGTGGTTGTCGTCTGACAATTTGCACAACAGGTGCCGGCTCTTCTGGCGGCC-3'